The following is an entry in ClinVar:

NM_005431.2(XRCC2):c.413G>C (p.Cys138Ser)

Gene: XRCC2 (X-ray repair cross complementing 2; minus strand). Cytogenetic location: 7q36.1.
Variant type: single nucleotide variant.
Coding change: c.413G>C on transcript NM_005431.2 (MANE Select); coding-DNA position 413, G replaced by C.
Protein change: p.Cys138Ser; replaces cysteine 138 with serine.
Molecular consequence: missense variant.
Genome position (GRCh38, 1-based): chr7:152,649,072, C>G on the plus strand (G>C on the coding strand, the complement: XRCC2 is on the minus strand). VCF-style: chr7-152649072-C-G. GRCh37 (hg19) VCF-style: chr7-152346157-C-G.
Other names: short protein forms C138S.
Identifiers: ClinVar variation 824622 (VCV000824622.5), dbSNP rs1060502668, ClinGen allele CA370198753.

ClinVar aggregate classification (germline): Uncertain significance (1 of 4 stars; one submission).

Conditions:
Hereditary cancer-predisposing syndrome. Also called: Neoplastic Syndromes, Hereditary; Tumor predisposition; Hereditary neoplastic syndrome; Hereditary Cancer Syndrome. Identifiers: Orphanet 140162, MedGen C0027672, MeSH D009386, MONDO:0015356.

Submission:

Ambry Genetics
Classification: Uncertain significance for Hereditary cancer-predisposing syndrome. Last evaluated: 2023-04-16. Review status: criteria provided, single submitter. Criteria: Ambry Variant Classification Scheme 2023. Collection method: clinical testing. Allele origin: germline.
Comment: The p.C138S variant (also known as c.413G>C), located in coding exon 3 of the XRCC2 gene, results from a G to C substitution at nucleotide position 413. The cysteine at codon 138 is replaced by serine, an amino acid with dissimilar properties. This amino acid position is highly conserved in available vertebrate species. In addition, the in silico prediction for this alteration is inconclusive. Since supporting evidence is limited at this time, the clinical significance of this alteration remains unclear.